The following is an entry in ClinVar:

ClinVar aggregate classification (germline): Uncertain significance. Review status: criteria provided, multiple submitters, no conflicts (2 of 4 stars). 2 submissions from 2 submitters: Uncertain significance (2). Last evaluated 2021-04-16.

Conditions:
Combined oxidative phosphorylation defect type 17. Also called: Combined oxidative phosphorylation deficiency 17. Identifiers: Orphanet 369913, MedGen C3809526, MONDO:0014190, OMIM 615440.

Allele frequency attached by ClinVar (database versions not stated): gnomAD exomes below 0.00001 and 0.00001.
gnomAD v4.1: 3 of 1,604,120 alleles (0.00019%); highest among the groups gnomAD compares: Middle Eastern, 0.049%; no homozygotes.

Submissions (2):

Labcorp Genetics (formerly Invitae), Labcorp
Classification: Uncertain significance for Combined oxidative phosphorylation defect type 17. Last evaluated: 2021-04-16. Review status: criteria provided, single submitter. Criteria: Invitae Variant Classification Sherloc (09022015). Collection method: clinical testing. Allele origin: germline.
Comment: This sequence change replaces isoleucine with asparagine at codon 775 of the ELAC2 protein (p.Ile775Asn). The isoleucine residue is moderately conserved and there is a large physicochemical difference between isoleucine and asparagine. This variant is not present in population databases (ExAC no frequency). This variant has not been reported in the literature in individuals with ELAC2-related conditions. Algorithms developed to predict the effect of missense changes on protein structure and function are either unavailable or do not agree on the potential impact of this missense change (SIFT: "Tolerated"; PolyPhen-2: "Probably Damaging"; Align-GVGD: "Class C0"). In summary, the available evidence is currently insufficient to determine the role of this variant in disease. Therefore, it has been classified as a Variant of Uncertain Significance.

Breakthrough Genomics
Classification: Uncertain significance. Review status: criteria provided, single submitter. Criteria: ACMG Guidelines, 2015. Collection method: not provided. Allele origin: germline. Inheritance: Autosomal recessive inheritance. Affected: yes.

NM_018127.7(ELAC2):c.2324T>A (p.Ile775Asn)

Gene: ELAC2 (elaC ribonuclease Z 2; minus strand). Cytogenetic location: 17p12.
Variant type: single nucleotide variant.
Coding change: c.2324T>A on transcript NM_018127.7 (MANE Select); coding-DNA position 2324, T replaced by A.
Protein change: p.Ile775Asn; replaces isoleucine 775 with asparagine.
Molecular consequence: missense variant.
Genome position (GRCh38, 1-based): chr17:12,992,975, A>T on the plus strand (T>A on the coding strand, the complement: ELAC2 is on the minus strand). VCF-style: chr17-12992975-A-T. GRCh37 (hg19) VCF-style: chr17-12896292-A-T.
Other names: c.2204T>A, p.Ile735Asn (NM_001165962.2); c.2321T>A, p.Ile774Asn (NM_173717.2); short protein forms I735N, I774N, I775N.
Identifiers: ClinVar variation 1360775 (VCV001360775.8), dbSNP rs1470895228, ClinGen allele CA398222308.